The following is an entry in ClinVar:

NM_006397.3(RNASEH2A):c.821A>G (p.Asn274Ser)

Gene: RNASEH2A (ribonuclease H2 subunit A; plus strand). Cytogenetic location: 19p13.13.
Variant type: single nucleotide variant.
Coding change: c.821A>G on transcript NM_006397.3 (MANE Select); coding-DNA position 821, A replaced by G.
Protein change: p.Asn274Ser; replaces asparagine 274 with serine.
Molecular consequence: missense variant.
Genome position (GRCh38, 1-based): chr19:12,813,387, A>G. VCF-style: chr19-12813387-A-G. GRCh37 (hg19) VCF-style: chr19-12924201-A-G.
Other names: short protein forms N274S.
Identifiers: ClinVar variation 328298 (VCV000328298.9), dbSNP rs373169862, ClinGen allele CA9232053.

ClinVar aggregate classification (germline): Uncertain significance. Review status: criteria provided, multiple submitters, no conflicts (2 of 4 stars). 3 submissions from 3 submitters: Uncertain significance (3). Last evaluated 2022-10-31.

Conditions:
Aicardi-Goutieres syndrome 4. Identifiers: Orphanet 51, MedGen C1835912, MONDO:0012472, OMIM 610333.

Allele frequency attached by ClinVar (database versions not stated): gnomAD exomes 0.00005 and 0.00021; ESP Exome Variant Server 0.00008; ExAC 0.00010; 1000 Genomes Project 0.00020; gnomAD 0.00021; 1000 Genomes Project 30x 0.00031; TOPMed 0.00036.
gnomAD v4.1: 115 of 1,614,152 alleles (0.0071%); highest among the groups gnomAD compares: Admixed American, 0.14%; no homozygotes.

Submissions (3):

Labcorp Genetics (formerly Invitae), Labcorp
Classification: Uncertain significance for Aicardi-Goutieres syndrome 4. Last evaluated: 2022-10-31. Review status: criteria provided, single submitter. Criteria: Invitae Variant Classification Sherloc (09022015). Collection method: clinical testing. Allele origin: germline.
Comment: This sequence change replaces asparagine, which is neutral and polar, with serine, which is neutral and polar, at codon 274 of the RNASEH2A protein (p.Asn274Ser). This variant is present in population databases (rs373169862, gnomAD 0.1%). This variant has not been reported in the literature in individuals affected with RNASEH2A-related conditions. ClinVar contains an entry for this variant (Variation ID: 328298). Algorithms developed to predict the effect of missense changes on protein structure and function output the following: SIFT: "Tolerated"; PolyPhen-2: "Benign"; Align-GVGD: "Class C0". The serine amino acid residue is found in multiple mammalian species, which suggests that this missense change does not adversely affect protein function. In summary, the available evidence is currently insufficient to determine the role of this variant in disease. Therefore, it has been classified as a Variant of Uncertain Significance.

Athena Diagnostics
Classification: Uncertain significance. Last evaluated: 2019-03-01. Review status: criteria provided, single submitter. Criteria: Athena Diagnostics Criteria. Collection method: clinical testing. Allele origin: germline.

Illumina Laboratory Services, Illumina
Classification: Uncertain significance for Aicardi-Goutieres syndrome 4. Last evaluated: 2018-01-13. Review status: criteria provided, single submitter. Criteria: ICSL Variant Classification Criteria 13 December 2019. Collection method: clinical testing. Allele origin: germline.